The following is an entry in ClinVar:

ClinVar aggregate classification (germline): Uncertain significance (1 of 4 stars; one submission).

Allele frequency attached by ClinVar (database versions not stated): TOPMed below 0.00001; gnomAD 0.00001.
gnomAD v4.1: 3 of 1,613,534 alleles (0.00019%); highest among the groups gnomAD compares: African/African-American, 0.0013%; no homozygotes.

Submission:

Labcorp Genetics (formerly Invitae), Labcorp
Classification: Uncertain significance. Last evaluated: 2023-10-03. Review status: criteria provided, single submitter. Criteria: Invitae Variant Classification Sherloc (09022015). Collection method: clinical testing. Allele origin: germline.
Comment: This sequence change replaces glutamic acid, which is acidic and polar, with aspartic acid, which is acidic and polar, at codon 88 of the LYN protein (p.Glu88Asp). This variant is present in population databases (no rsID available, gnomAD 0.0009%). This variant has not been reported in the literature in individuals affected with LYN-related conditions. ClinVar contains an entry for this variant (Variation ID: 2118063). An algorithm developed to predict the effect of missense changes on protein structure and function (PolyPhen-2) suggests that this variant is likely to be tolerated. In summary, the available evidence is currently insufficient to determine the role of this variant in disease. Therefore, it has been classified as a Variant of Uncertain Significance.

NM_002350.4(LYN):c.264G>T (p.Glu88Asp)

Gene: LYN (LYN proto-oncogene, Src family tyrosine kinase; plus strand). Cytogenetic location: 8q12.1.
Variant type: single nucleotide variant.
Coding change: c.264G>T on transcript NM_002350.4 (MANE Select); coding-DNA position 264, G replaced by T.
Protein change: p.Glu88Asp; replaces glutamic acid 88 with aspartic acid.
Molecular consequence: missense variant.
Genome position (GRCh38, 1-based): chr8:55,947,703, G>T. VCF-style: chr8-55947703-G-T. GRCh37 (hg19) VCF-style: chr8-56860262-G-T.
Other names: c.201G>T, p.Glu67Asp (NM_001111097.3); short protein forms E88D, E67D.
Identifiers: ClinVar variation 2118063 (VCV002118063.4), dbSNP rs1272028935, ClinGen allele CA371279280.
Genomic context (GRCh38, chr8:55,947,703, plus strand): 5'-GGTAGCCTTGTACCCCTATGATGGCATCCACCCGGACGACTTGTCTTTCAAGAAAGGAGA[G>T]AAGATGAAAGTCCTGGAGGAGTAAGTGCTCTCAAGCACGCCACGGCTGCTCGTTTCCTCA-3'
Protein context (NP_002341.1, residues 78-98): HPDDLSFKKG[Glu88Asp]KMKVLEEHGE